The following is an entry in ClinVar:

NM_014270.5(SLC7A9):c.460_471del (p.Leu154_Ala157del)

Gene: SLC7A9 (solute carrier family 7 member 9; minus strand). Cytogenetic location: 19q13.11.
Variant type: Deletion.
Coding change: c.460_471del on transcript NM_014270.5 (MANE Select); coding-DNA positions 460 to 471, 12 bases deleted (CTGGCCGCCGCC).
Protein change: p.Leu154_Ala157del.
Molecular consequence: inframe deletion.
Genome position (GRCh38, 1-based): chr19:32,864,103-32,864,114, GGCGGCGGCCAG deleted on the plus strand (CTGGCCGCCGCC on the coding strand, the reverse complement: SLC7A9 is on the minus strand); deleting any 12 consecutive bases within chr19:32,864,103-32,864,115 gives the same sequence; the c. name uses the placement nearest the transcript's 3' end. VCF-style (leftmost placement, unchanged base first): chr19-32864102-CGGCGGCGGCCAG-C. GRCh37 (hg19) VCF-style: chr19-33355008-CGGCGGCGGCCAG-C.
Other names: c.460_471del, p.Leu154_Ala157del (NM_001126335.2, NM_001243036.2).
Identifiers: ClinVar variation 978422 (VCV000978422.2), dbSNP rs1968887418, ClinGen allele CA2332456359.
Genomic context (GRCh38, chr19:32,864,102, plus strand): 5'-GACACCCTCTGTGCCAGGTCTTTTCTGACCCCTGCCCTGGGCTCAGGTACTCACAGATGG[CGGCGGCGGCCAG>C]GCATTTCACAACGATTTGAGGAGGCTTGCAGCCCACATAGAAGGGCGCACACACATACTC-3'

ClinVar aggregate classification (germline): Uncertain significance (1 of 4 stars; one submission).

Conditions:
Cystinuria (CSNU). Also called: CYSTINURIA, TYPE I; CYSTINURIA, TYPE II; CYSTINURIA, TYPE III; Cystinuria, non-type I. Identifiers: Orphanet 214, MedGen C0010691, MONDO:0009067, OMIM 220100, HP:0003131.

Submission:

College of Medicine Research Centre, King Saud Univeristy
Classification: Uncertain significance for Cystinuria. Last evaluated: 2019-06-03. Review status: criteria provided, single submitter. Criteria: ACMG Guidelines, 2015. Collection method: clinical testing. Allele origin: inherited. Inheritance: Autosomal recessive inheritance. Affected: yes. Observed: 1 homozygote.
Comment: The SLC7A9 variant c.460_471del p.(Leu154_Ala157del) is an in-frame deletion of 12 bps in exon 4, which causes the loss of 4 residues. It is classified as a variant of uncertain significance (class 3) according to the recommendations of ACMG guidelines.